The following is an entry in ClinVar:

NM_006015.6(ARID1A):c.4563del (p.Ala1522fs)

Gene: ARID1A (AT-rich interaction domain 1A; plus strand). Cytogenetic location: 1p36.11.
Variant type: Deletion.
Coding change: c.4563del on transcript NM_006015.6 (MANE Select); coding-DNA position 4563, one base deleted (C; older notation c.4563delC).
Protein change: p.Ala1522fs; shifts the reading frame from alanine 1522.
Molecular consequence: frameshift variant. On other transcripts: intron variant (1).
Genome position (GRCh38, 1-based): chr1:26,774,790, C deleted; the last of 4 consecutive C bases (chr1:26,774,787-26,774,790); deleting any one gives the same sequence. VCF-style (leftmost placement, unchanged base first): chr1-26774786-GC-G. GRCh37 (hg19) VCF-style: chr1-27101277-GC-G.
Other names: c.4102-190del (NM_139135.4); short protein forms A1522fs.
Identifiers: ClinVar variation 2097717 (VCV002097717.4), dbSNP rs2521999900, ClinGen allele CA2580062652.

ClinVar aggregate classification (germline): Pathogenic (1 of 4 stars; one submission).

Submission:

Labcorp Genetics (formerly Invitae), Labcorp
Classification: Pathogenic. Last evaluated: 2022-02-14. Review status: criteria provided, single submitter. Criteria: Invitae Variant Classification Sherloc (09022015). Collection method: clinical testing. Allele origin: germline.
Comment: For these reasons, this variant has been classified as Pathogenic. This variant has not been reported in the literature in individuals affected with ARID1A-related conditions. This variant is not present in population databases (gnomAD no frequency). This sequence change creates a premature translational stop signal (p.Ala1522Profs*5) in the ARID1A gene. It is expected to result in an absent or disrupted protein product. Loss-of-function variants in ARID1A are known to be pathogenic (PMID: 22426308, 23929685).

Literature cited by the submitters: PubMed 22426308; PubMed 23929685.